The following is an entry in ClinVar:

NM_001243279.3(ACSF3):c.1110del (p.Ala371fs)

Genes: ACSF3 (acyl-CoA synthetase family member 3; plus strand), LOC125177393 (P300/CBP strongly-dependent group 1 enhancer GRCh37_chr16:89180375-89181574; plus strand). Cytogenetic location: 16q24.3.
Variant type: Deletion.
Coding change: c.1110del on transcript NM_001243279.3 (MANE Select); coding-DNA position 1110, one base deleted (T; older notation c.1110delT).
Protein change: p.Ala371fs; shifts the reading frame from alanine 371.
Molecular consequence: frameshift variant. On other transcripts: non-coding transcript variant (2).
Genome position (GRCh38, 1-based): chr16:89,114,471, T deleted. VCF-style (leftmost placement, unchanged base first): chr16-89114470-CT-C. GRCh37 (hg19) VCF-style: chr16-89180878-CT-C.
Other names: c.1110del, p.Ala371fs (NM_001127214.4, NM_174917.5); c.315del, p.Ala106fs (NM_001284316.2); short protein forms A371fs, A106fs.
Identifiers: ClinVar variation 1373556 (VCV001373556.7), dbSNP rs2151454690, ClinGen allele CA2573152759.

ClinVar aggregate classification (germline): Pathogenic/Likely pathogenic. Review status: criteria provided, multiple submitters, no conflicts (2 of 4 stars). 2 submissions from 2 submitters: Pathogenic (1); Likely pathogenic (1). Last evaluated 2023-11-18.

Conditions:
Combined malonic and methylmalonic acidemia. Identifiers: Orphanet 289504, MedGen C3280314, MONDO:0013661, OMIM 614265.

Submissions (2):

Labcorp Genetics (formerly Invitae), Labcorp
Classification: Pathogenic for Combined malonic and methylmalonic acidemia. Last evaluated: 2023-11-18. Review status: criteria provided, single submitter. Criteria: Invitae Variant Classification Sherloc (09022015). Collection method: clinical testing. Allele origin: germline.
Comment: This sequence change creates a premature translational stop signal (p.Ala371Profs*44) in the ACSF3 gene. It is expected to result in an absent or disrupted protein product. Loss-of-function variants in ACSF3 are known to be pathogenic (PMID: 21841779, 26827111). This variant is not present in population databases (gnomAD no frequency). This variant has not been reported in the literature in individuals affected with ACSF3-related conditions. ClinVar contains an entry for this variant (Variation ID: 1373556). For these reasons, this variant has been classified as Pathogenic.

Baylor Genetics
Classification: Likely pathogenic for Combined malonic and methylmalonic acidemia. Last evaluated: 2023-09-23. Review status: criteria provided, single submitter. Criteria: ACMG Guidelines, 2015. Collection method: clinical testing. Allele origin: unknown.

Literature cited by the submitters: PubMed 21841779 (cited by Labcorp Genetics (formerly Invitae), Labcorp); PubMed 26827111 (cited by Labcorp Genetics (formerly Invitae), Labcorp).